The following is an entry in ClinVar:

NM_001038.6(SCNN1A):c.1177G>A (p.Asp393Asn)

Gene: SCNN1A (sodium channel epithelial 1 subunit alpha; minus strand). Cytogenetic location: 12p13.31.
Variant type: single nucleotide variant.
Coding change: c.1177G>A on transcript NM_001038.6 (MANE Select); coding-DNA position 1177, G replaced by A.
Protein change: p.Asp393Asn; replaces aspartic acid 393 with asparagine.
Molecular consequence: missense variant.
Genome position (GRCh38, 1-based): chr12:6,354,815, C>T on the plus strand (G>A on the coding strand, the complement: SCNN1A is on the minus strand). VCF-style: chr12-6354815-C-T. GRCh37 (hg19) VCF-style: chr12-6463981-C-T.
Other names: p.Asp393Asn; c.1246G>A, p.Asp416Asn (NM_001159575.2); c.1354G>A, p.Asp452Asn (NM_001159576.2); short protein forms D393N, D416N, D452N.
Identifiers: ClinVar variation 310141 (VCV000310141.9), dbSNP rs886049758, ClinGen allele CA10642250.

ClinVar aggregate classification (germline): Uncertain significance. Review status: criteria provided, multiple submitters, no conflicts (2 of 4 stars). 5 submissions from 4 submitters: Uncertain significance (5). Last evaluated 2025-04-22.

Conditions:
Inborn genetic diseases. Identifiers: MedGen C0950123, MeSH D030342.
Liddle syndrome 3. Identifiers: MedGen C4748292, MONDO:0029132, OMIM 618126.
Pseudohypoaldosteronism, type IB1, autosomal recessive. Also called: Pseudohypoaldosteronism, Type I, Autosomal Recessive; PHA I, AUTOSOMAL RECESSIVE; Pseudohypoaldosteronism, Type I, Recessive; Autosomal recessive pseudohypoaldosteronism type 1. Identifiers: Orphanet 171876, Orphanet 756, MedGen C5774176, MONDO:0009917, OMIM 264350.
Bronchiectasis with or without elevated sweat chloride 2 (BESC2). Identifiers: Orphanet 60033, MedGen C2751666, MONDO:0013087, OMIM 613021.

Allele frequency attached by ClinVar (database versions not stated): gnomAD exomes below 0.00001; gnomAD 0.00003; TOPMed 0.00007.
gnomAD v4.1: 17 of 1,613,872 alleles (0.0011%); highest among the groups gnomAD compares: East Asian, 0.0045%; no homozygotes.

Submissions (5):

Mayo Clinic Laboratories, Mayo Clinic
Classification: Uncertain significance. Last evaluated: 2025-04-22. Review status: criteria provided, single submitter. Criteria: ACMG Guidelines, 2015. Collection method: clinical testing. Allele origin: germline. Observed: 1 variant allele.
Comment: BP4

Ambry Genetics
Classification: Uncertain significance for Inborn genetic diseases. Last evaluated: 2022-11-08. Review status: criteria provided, single submitter. Criteria: Ambry Variant Classification Scheme 2023. Collection method: clinical testing. Allele origin: germline.

Fulgent Genetics
Classification: Uncertain significance for Pseudohypoaldosteronism, type IB1, autosomal recessive; Bronchiectasis with or without elevated sweat chloride 2; Liddle syndrome 3. Last evaluated: 2022-04-12. Review status: criteria provided, single submitter. Criteria: ACMG Guidelines, 2015. Collection method: clinical testing. Allele origin: unknown.

Illumina Laboratory Services, Illumina
Classification: Uncertain significance for Bronchiectasis with or without elevated sweat chloride 2. Last evaluated: 2018-01-13. Review status: criteria provided, single submitter. Criteria: ICSL Variant Classification Criteria 13 December 2019. Collection method: clinical testing. Allele origin: germline.

Illumina Laboratory Services, Illumina
Classification: Uncertain significance for Pseudohypoaldosteronism, type IB1, autosomal recessive. Last evaluated: 2018-01-13. Review status: criteria provided, single submitter. Criteria: ICSL Variant Classification Criteria 13 December 2019. Collection method: clinical testing. Allele origin: germline.